The following is an entry in ClinVar:

NM_004260.4(RECQL4):c.2295del (p.Leu765fs)

Gene: RECQL4 (RecQ like helicase 4; minus strand). Cytogenetic location: 8q24.3.
Variant type: Deletion.
Coding change: c.2295del on transcript NM_004260.4 (MANE Select); coding-DNA position 2295, one base deleted (G; older notation c.2295delG).
Protein change: p.Leu765fs; shifts the reading frame from leucine 765.
Molecular consequence: frameshift variant.
Genome position (GRCh38, 1-based): chr8:144,513,386, C deleted on the plus strand (G on the coding strand, the reverse complement: RECQL4 is on the minus strand). VCF-style (leftmost placement, unchanged base first): chr8-144513385-GC-G. GRCh37 (hg19) VCF-style: chr8-145738769-GC-G.
Other names: c.2295delG, p.Leu765Phefs (NM_001413019.1, NM_001413036.1); c.2199delG, p.Leu733Phefs (NM_001413020.1); c.1224delG, p.Leu408Phefs (NM_001413021.1, NM_001413022.1, NM_001413023.1 and 5 more transcripts); c.2166delG, p.Leu722Phefs (NM_001413025.1); c.1158delG, p.Leu386Phefs (NM_001413027.1, NM_001413030.1, NM_001413032.1 and 1 more transcripts); c.1944delG, p.Leu648Phefs (NM_001413029.1); c.1026delG, p.Leu342Phefs (NM_001413031.1); c.2163delG, p.Leu721Phefs (NM_001413033.1); and 4 more; short protein forms L765fs.
Identifiers: ClinVar variation 2098231 (VCV002098231.4), dbSNP rs2130679286, ClinGen allele CA2580078729.

ClinVar aggregate classification (germline): Pathogenic (1 of 4 stars; one submission).

Conditions:
Baller-Gerold syndrome (BGS). Also called: CRANIOSYNOSTOSIS WITH RADIAL DEFECTS. Identifiers: Orphanet 1225, MedGen C0265308, MONDO:0009039, OMIM 218600.

Submission:

Labcorp Genetics (formerly Invitae), Labcorp
Classification: Pathogenic for Baller-Gerold syndrome. Last evaluated: 2022-02-18. Review status: criteria provided, single submitter. Criteria: Invitae Variant Classification Sherloc (09022015). Collection method: clinical testing. Allele origin: germline.
Comment: This sequence change creates a premature translational stop signal (p.Leu765Phefs*78) in the RECQL4 gene. It is expected to result in an absent or disrupted protein product. Loss-of-function variants in RECQL4 are known to be pathogenic (PMID: 12734318, 12952869). This variant is not present in population databases (gnomAD no frequency). This variant has not been reported in the literature in individuals affected with RECQL4-related conditions. For these reasons, this variant has been classified as Pathogenic.

Literature cited by the submitters: PubMed 12734318; PubMed 12952869.